The following continues an entry in ClinVar:

NM_000088.4(COL1A1):c.3076C>T (p.Arg1026Ter)

Gene: COL1A1. ClinVar aggregate classification (germline): Pathogenic. Pathogenic (15).

Submissions 13 to 17 of 17:

Athena Diagnostics
Classification: Pathogenic. Last evaluated: 2021-04-27. Review status: criteria provided, single submitter. Criteria: Athena Diagnostics Criteria. Collection method: clinical testing. Allele origin: unknown.
Comment: This variant is expected to result in the loss of a functional protein. This variant has not been reported in large, multi-ethnic general populations. This variant appears to segregate with disease in at least one family. In some published literature, this variant is referred to as R848X.

Cambridge Genomics Laboratory, East Genomic Laboratory Hub, NHS Genomic Medicine Service
Classification: Pathogenic for Osteogenesis imperfecta. Last evaluated: 2019-10-23. Review status: criteria provided, single submitter. Criteria: ACGS Best Practice Guidelines for Variant Classification in Rare Disease 2020. Collection method: clinical testing. Allele origin: germline. Affected: yes. Observed: 1 variant allele.

Genome Diagnostics Laboratory, The Hospital for Sick Children
Classification: Pathogenic for Osteogenesis imperfecta. Last evaluated: 2018-08-01. Review status: criteria provided, single submitter. Criteria: ACMG Guidelines, 2015. Collection method: clinical testing. Allele origin: germline.

PreventionGenetics, part of Exact Sciences
Classification: Pathogenic for COL1A1-related condition. Last evaluated: 2024-09-27. Review status: no assertion criteria provided. Collection method: clinical testing. Allele origin: germline. Not counted in ClinVar's aggregate classification.
Comment: The COL1A1 c.3076C>T variant is predicted to result in premature protein termination (p.Arg1026*). This variant has been reported in multiple unrelated individuals with osteogenesis imperfecta type 1 (for example, see : Ries-Levavi et al. 2004. PubMed ID: 15024745; Hartikka et al. 2004. PubMed ID: 15241796; Table S1, Li et al. 2019. PubMed ID: 30715774). This variant has not been reported in a large population database, indicating this variant is rare. Nonsense variants in COL1A1 are expected to be pathogenic. This variant is interpreted as pathogenic.

Baylor Genetics
Classification: Pathogenic for osteogenesis imperfecta. Last evaluated: 2018-11-18. Review status: no assertion criteria provided. Collection method: clinical testing. Allele origin: germline. Affected: yes. Not counted in ClinVar's aggregate classification.

Literature cited by the submitters: PubMed 15024745 (cited by 3 submitters); PubMed 7942841 (cited by Labcorp Genetics (formerly Invitae), Labcorp); PubMed 9295084 (cited by Labcorp Genetics (formerly Invitae), Labcorp); PubMed 9443882 (cited by Labcorp Genetics (formerly Invitae), Labcorp); PubMed 11113887 (cited by 4 submitters); PubMed 27044453 (cited by Labcorp Genetics (formerly Invitae), Labcorp and Athena Diagnostics); PubMed 27509835 (cited by Clinical Biomedical Laboratory, Shriners Hospital For Children - Canada); PubMed 15241796 (cited by Women's Health and Genetics/Laboratory Corporation of America, LabCorp and Athena Diagnostics); PubMed 17392686 (cited by Women's Health and Genetics/Laboratory Corporation of America, LabCorp); PubMed 24767406 (cited by Women's Health and Genetics/Laboratory Corporation of America, LabCorp and Athena Diagnostics); PubMed 31304589 (cited by Athena Diagnostics); PubMed 27146342 (cited by Athena Diagnostics); PubMed 30715774 (cited by Athena Diagnostics); PubMed 29499418 (cited by Athena Diagnostics); PubMed 30692697 (cited by Athena Diagnostics).